The following is an entry in ClinVar:

NM_021076.4(NEFH):c.1209-3C>T

Gene: NEFH (neurofilament heavy chain; plus strand). Cytogenetic location: 22q12.2.
Variant type: single nucleotide variant.
Coding change: c.1209-3C>T on transcript NM_021076.4 (MANE Select); 3 bases into the intron before coding-DNA position 1209, C replaced by T.
Molecular consequence: intron variant.
Genome position (GRCh38, 1-based): chr22:29,488,846, C>T. VCF-style: chr22-29488846-C-T. GRCh37 (hg19) VCF-style: chr22-29884835-C-T.
Identifiers: ClinVar variation 1707759 (VCV001707759.2), dbSNP rs2517976310, ClinGen allele CA2580099423.
Genomic context (GRCh38, chr22:29,488,846, plus strand): 5'-AAGAACCCAAATAGTGAATTTGCCCTGAGTTTATACTAATGTGTTCCGTGATCCATCCTG[C>T]AGAAAACTCCTGGAAGGTGAAGAGTGTCGGATTGGCTTTGGCCCAATTCCTTTCTCGCTT-3'

ClinVar aggregate classification (germline): Uncertain significance (1 of 4 stars; one submission).

Allele frequency attached by ClinVar (database versions not stated): gnomAD exomes below 0.00001.
gnomAD v4.1: 1 of 1,614,188 alleles (0.000062%); highest among the groups gnomAD compares: Non-Finnish European, 0.000085%; no homozygotes.

Submission:

GeneDx
Classification: Uncertain significance. Last evaluated: 2022-03-31. Review status: criteria provided, single submitter. Criteria: GeneDx Variant Classification Process June 2021. Collection method: clinical testing. Allele origin: germline. Affected: yes.
Comment: Not observed at significant frequency in large population cohorts (gnomAD); In silico analysis supports that this variant does not alter splicing; Has not been previously published as pathogenic or benign to our knowledge